The following is an entry in ClinVar:

NM_025000.4(DCAF17):c.1468A>G (p.Ile490Val)

Gene: DCAF17 (DDB1 and CUL4 associated factor 17; plus strand). Cytogenetic location: 2q31.1.
Variant type: single nucleotide variant.
Coding change: c.1468A>G on transcript NM_025000.4 (MANE Select); coding-DNA position 1468, A replaced by G.
Protein change: p.Ile490Val; replaces isoleucine 490 with valine.
Molecular consequence: missense variant. On other transcripts: non-coding transcript variant (1).
Genome position (GRCh38, 1-based): chr2:171,481,019, A>G. VCF-style: chr2-171481019-A-G. GRCh37 (hg19) VCF-style: chr2-172337529-A-G.
Other names: c.1267A>G, p.Ile423Val (NM_001164821.2); short protein forms I423V, I490V.
Identifiers: ClinVar variation 1696392 (VCV001696392.3), dbSNP rs140422102, ClinGen allele CA1964985.
Genomic context (GRCh38, chr2:171,481,019, plus strand): 5'-TGTGTTTTGTTACAGACATATAGCCATGAAGTCTACTTTGACAGAGACTTGGTGCTACAC[A>G]TAGAGCAGAAACCCAACAGAGTCTTCAGCTGCTATGTTTACCAGATGATATGTGACACTG-3'
Protein context (NP_079276.2, residues 480-500): VYFDRDLVLH[Ile490Val]EQKPNRVFSC

ClinVar aggregate classification (germline): Uncertain significance. Review status: criteria provided, multiple submitters, no conflicts (2 of 4 stars). 2 submissions from 2 submitters: Uncertain significance (2). Last evaluated 2022-05-03.

Conditions:
Woodhouse-Sakati syndrome. Also called: EXTRAPYRAMIDAL DISORDER, PROGRESSIVE, WITH PRIMARY HYPOGONADISM, MENTAL RETARDATION, AND ALOPECIA; Hypogonadism, Alopecia, Diabetes Mellitus, Mental Retardation, and Extrapyramidal Syndrome; Hypogonadism, diabetes mellitus, alopecia, mental retardation and electrocardiographic abnormalities. Identifiers: Orphanet 3464, MedGen C0342286, MONDO:0009419, OMIM 241080.

Allele frequency attached by ClinVar (database versions not stated): gnomAD exomes below 0.00001 and 0.00002; ExAC 0.00002; TOPMed 0.00002; gnomAD 0.00003; ESP Exome Variant Server 0.00008.
gnomAD v4.1: 10 of 1,613,746 alleles (0.00062%); highest among the groups gnomAD compares: African/African-American, 0.008%; no homozygotes.

Submissions (2):

Women's Health and Genetics/Laboratory Corporation of America, LabCorp
Classification: Uncertain significance. Last evaluated: 2022-05-03. Review status: criteria provided, single submitter. Criteria: LabCorp Variant Classification Summary - May 2015. Collection method: clinical testing. Allele origin: germline.

Labcorp Genetics (formerly Invitae), Labcorp
Classification: Uncertain significance for Woodhouse-Sakati syndrome. Last evaluated: 2022-03-28. Review status: criteria provided, single submitter. Criteria: Invitae Variant Classification Sherloc (09022015). Collection method: clinical testing. Allele origin: germline.
Comment: This sequence change replaces isoleucine, which is neutral and non-polar, with valine, which is neutral and non-polar, at codon 490 of the DCAF17 protein (p.Ile490Val). This variant is present in population databases (rs140422102, gnomAD 0.01%). This variant has not been reported in the literature in individuals affected with DCAF17-related conditions. Algorithms developed to predict the effect of missense changes on protein structure and function are either unavailable or do not agree on the potential impact of this missense change (SIFT: "Tolerated"; PolyPhen-2: "Possibly Damaging"; Align-GVGD: "Class C0"). In summary, the available evidence is currently insufficient to determine the role of this variant in disease. Therefore, it has been classified as a Variant of Uncertain Significance.